The following is an entry in ClinVar:

ClinVar aggregate classification (germline): Uncertain significance. Review status: criteria provided, multiple submitters, no conflicts (2 of 4 stars). 2 submissions from 2 submitters: Uncertain significance (2). Last evaluated 2025-11-28.

Conditions:
Sialic acid storage disease, severe infantile type (ISSD). Also called: N-ACETYLNEURAMINIC ACID STORAGE DISEASE; NANA STORAGE DISEASE; Free sialic acid storage disease, infantile form; INFANTILE SIALIC ACID STORAGE DISORDER; SIALURIA, INFANTILE FORM; Infantile Sialic Acid Storage Disease. Identifiers: Orphanet 309324, Orphanet 834, MedGen C1096902, MONDO:0010027, OMIM 269920.
Salla disease (SD). Also called: Less Severe FSASD (Salla Disease); Sialuria, Finnish type; N-acetylneuraminic acid (NANA) storage disease (NSD); Infantile sialic acid storage disorder (ISSD). Identifiers: Orphanet 309334, Orphanet 834, MedGen C1096903, MONDO:0011449, OMIM 604369.

gnomAD v4.1: 73 of 1,614,010 alleles (0.0045%); highest among the groups gnomAD compares: African/African-American, 0.008%; no homozygotes.

Submissions (2):

Mayo Clinic Laboratories, Mayo Clinic
Classification: Uncertain significance. Last evaluated: 2025-11-28. Review status: criteria provided, single submitter. Criteria: ACMG Guidelines, 2015. Collection method: clinical testing. Allele origin: germline. Observed: 1 variant allele.
Comment: BP4

Fulgent Genetics
Classification: Uncertain significance for Sialic acid storage disease, severe infantile type; Salla disease. Last evaluated: 2024-05-22. Review status: criteria provided, single submitter. Criteria: ACMG Guidelines, 2015. Collection method: clinical testing. Allele origin: germline.

Literature cited by the submitters: PubMed 29140481 (cited by Mayo Clinic Laboratories, Mayo Clinic).

NM_012434.5(SLC17A5):c.1118T>C (p.Ile373Thr)

Gene: SLC17A5 (solute carrier family 17 member 5; minus strand). Cytogenetic location: 6q13.
Variant type: single nucleotide variant.
Coding change: c.1118T>C on transcript NM_012434.5 (MANE Select); coding-DNA position 1118, T replaced by C.
Protein change: p.Ile373Thr; replaces isoleucine 373 with threonine.
Molecular consequence: missense variant.
Genome position (GRCh38, 1-based): chr6:73,610,541, A>G on the plus strand (T>C on the coding strand, the complement: SLC17A5 is on the minus strand). VCF-style: chr6-73610541-A-G. GRCh37 (hg19) VCF-style: chr6-74320264-A-G.
Other names: p.Ile373Thr; c.887T>C, p.Ile296Thr (NM_001382629.1); c.1118T>C, p.Ile373Thr (NM_001382630.1, NM_001382633.1); c.1139T>C, p.Ile380Thr (NM_001382631.1); c.1031T>C, p.Ile344Thr (NM_001382632.1); c.959T>C, p.Ile320Thr (NM_001382634.1); c.1115T>C, p.Ile372Thr (NM_001382635.1); c.800T>C, p.Ile267Thr (NM_001382636.1); short protein forms I380T, I267T, I296T, I320T, I344T, I373T, I372T.
Identifiers: ClinVar variation 3594108 (VCV003594108.2).